The following is an entry in ClinVar:

ClinVar aggregate classification (germline): Uncertain significance. Review status: criteria provided, multiple submitters, no conflicts (2 of 4 stars). 3 submissions from 3 submitters: Uncertain significance (3). Last evaluated 2026-01-04.

Conditions:
Inborn genetic diseases. Identifiers: MedGen C0950123, MeSH D030342.
Combined oxidative phosphorylation defect type 14. Also called: Combined oxidative phosphorylation deficiency 14. Identifiers: Orphanet 319519, MedGen C4755312, MONDO:0013986, OMIM 614946.

Allele frequency attached by ClinVar (database versions not stated): gnomAD exomes below 0.00001.

Submissions (3):

Labcorp Genetics (formerly Invitae), Labcorp
Classification: Uncertain significance for Combined oxidative phosphorylation defect type 14. Last evaluated: 2026-01-04. Review status: criteria provided, single submitter. Criteria: Invitae Variant Classification Sherloc (09022015). Collection method: clinical testing. Allele origin: germline.
Comment: This sequence change replaces proline, which is neutral and non-polar, with serine, which is neutral and polar, at codon 47 of the FARS2 protein (p.Pro47Ser). This variant is present in population databases (rs201710092, gnomAD 0.01%). This variant has not been reported in the literature in individuals affected with FARS2-related conditions. ClinVar contains an entry for this variant (Variation ID: 1050920). Invitae Evidence Modeling of protein sequence and biophysical properties (such as structural, functional, and spatial information, amino acid conservation, physicochemical variation, residue mobility, and thermodynamic stability) indicates that this missense variant is not expected to disrupt FARS2 protein function with a negative predictive value of 95%. In summary, the available evidence is currently insufficient to determine the role of this variant in disease. Therefore, it has been classified as a Variant of Uncertain Significance.

GeneDx
Classification: Uncertain significance. Last evaluated: 2025-03-07. Review status: criteria provided, single submitter. Criteria: GeneDx Variant Classification Process June 2021. Collection method: clinical testing. Allele origin: germline. Affected: yes.
Comment: Not observed at significant frequency in large population cohorts (gnomAD); In silico analysis indicates that this missense variant does not alter protein structure/function; Has not been previously published as pathogenic or benign to our knowledge

Ambry Genetics
Classification: Uncertain significance for Inborn genetic diseases. Last evaluated: 2023-03-01. Review status: criteria provided, single submitter. Criteria: Ambry Variant Classification Scheme 2023. Collection method: clinical testing. Allele origin: germline.

NM_006567.5(FARS2):c.139C>T (p.Pro47Ser)

Genes: FARS2 (phenylalanyl-tRNA synthetase 2, mitochondrial; plus strand), LOC126859565 (CDK7 strongly-dependent group 2 enhancer GRCh37_chr6:5368745-5369944; plus strand). Cytogenetic location: 6p25.1.
Variant type: single nucleotide variant.
Coding change: c.139C>T on transcript NM_006567.5 (MANE Select); coding-DNA position 139, C replaced by T.
Protein change: p.Pro47Ser; replaces proline 47 with serine.
Molecular consequence: missense variant. On other transcripts: intron variant (2).
Genome position (GRCh38, 1-based): chr6:5,368,709, C>T. VCF-style: chr6-5368709-C-T. GRCh37 (hg19) VCF-style: chr6-5368942-C-T.
Other names: c.139C>T, p.Pro47Ser (NM_001318872.2, NM_001374875.1, NM_001374876.1 and 5 more transcripts); c.-340-27924C>T (NM_001375260.1); c.-84-35833C>T (NM_001375259.1); c.139C>T (NM_006567.3); short protein forms P47S.
Identifiers: ClinVar variation 1050920 (VCV001050920.8), dbSNP rs201710092, ClinGen allele CA3623598.